The following is an entry in ClinVar:

ClinVar aggregate classification (germline): Benign/Likely benign. Review status: criteria provided, multiple submitters, no conflicts (2 of 4 stars). 8 submissions from 8 submitters: Benign (5); Likely benign (2). 1 of the submissions does not count toward it. Last evaluated 2026-02-19.

Conditions:
Charcot-Marie-Tooth disease. Also called: Charcot-Marie-Tooth Hereditary Neuropathy; Charcot-Marie-Tooth Neuropathy. Identifiers: Orphanet 166, MedGen C0007959, MONDO:0015626.
IGHMBP2-related disorder. Also called: IGHMBP2-related condition; IGHMBP2-related disorders.
Charcot-Marie-Tooth disease axonal type 2S. Also called: CHARCOT-MARIE-TOOTH NEUROPATHY, TYPE 2S; CHARCOT-MARIE-TOOTH DISEASE, AXONAL, AUTOSOMAL RECESSIVE, TYPE 2S. Identifiers: Orphanet 443073, MedGen C4015349, MONDO:0014511, OMIM 616155.
Autosomal recessive distal spinal muscular atrophy 1. Also called: SEVERE INFANTILE AXONAL NEUROPATHY WITH RESPIRATORY FAILURE; SPINAL MUSCULAR ATROPHY, DIAPHRAGMATIC; Spinal muscular atrophy with respiratory distress 1; HMN VI; NEURONOPATHY, SEVERE INFANTILE AXONAL, WITH RESPIRATORY FAILURE; NEURONOPATHY, DISTAL HEREDITARY MOTOR, HARDING TYPE VI. Identifiers: Orphanet 98920, MedGen C1858517, MONDO:0011436, OMIM 604320.
Inborn genetic diseases. Identifiers: MedGen C0950123, MeSH D030342.

Allele frequency attached by ClinVar (database versions not stated): ESP Exome Variant Server 0.00008; gnomAD exomes 0.00027 and 0.00095; gnomAD 0.00046 and 0.00056; TOPMed 0.00054; 1000 Genomes Project 30x 0.00203; 1000 Genomes Project 0.00240; ExAC 0.00087.
gnomAD v4.1: 519 of 1,614,054 alleles (0.032%); highest among the groups gnomAD compares: East Asian, 0.81%; 1 homozygote.

Submissions (8):

Women's Health and Genetics/Laboratory Corporation of America, LabCorp
Classification: Benign. Last evaluated: 2026-02-19. Review status: criteria provided, single submitter. Criteria: LabCorp Variant Classification Summary - May 2015. Collection method: clinical testing. Allele origin: germline.
Comment: Variant summary: IGHMBP2 c.344C>T (p.Thr115Met) results in a non-conservative amino acid change in the encoded protein sequence. Algorithms developed to predict the effect of missense changes on protein structure and function are either unavailable or do not agree on the potential impact of this missense change. The variant allele was found at a frequency of 0.00095 in 251490 control chromosomes, predominantly at a frequency of 0.012 within the East Asian subpopulation in the gnomAD database. The observed variant frequency within East Asian control individuals in the gnomAD database exceeds the estimated maximal expected allele frequency for disease-causing variants in IGHMBP2. The variant, c.344C>T, has been observed in cohorts of East Asian individuals affected with IGHMBP2-related phenotypes (e.g. Yuan_2017, Wang_2025), however in multiple cases co-occurrences with other (likely) pathogenic variants have been reported (e.g. IGHMBP2 c.1060G>A (p.G354S) and c.1061-2A>G; Wang_2025), which could explain the phenotype, thus providing supporting evidence for a benign role of the variant of interest. To our knowledge, no experimental evidence demonstrating an impact on protein function has been reported. The following publications have been ascertained in the context of this evaluation (PMID: 28202949, 40686563, 31180159). ClinVar contains an entry for this variant (Variation ID: 287979). Based on the evidence outlined above, the variant was classified as benign.

Labcorp Genetics (formerly Invitae), Labcorp
Classification: Benign for Autosomal recessive distal spinal muscular atrophy 1; Charcot-Marie-Tooth disease axonal type 2S. Last evaluated: 2026-01-21. Review status: criteria provided, single submitter. Criteria: Invitae Variant Classification Sherloc (09022015). Collection method: clinical testing. Allele origin: germline.

GeneDx
Classification: Benign. Last evaluated: 2021-06-10. Review status: criteria provided, single submitter. Criteria: GeneDx Variant Classification Process June 2021. Collection method: clinical testing. Allele origin: germline. Affected: yes.
Comment: This variant is associated with the following publications: (PMID: 31372974, 29653221, 20031928, 26922252, 26136520, 28202949, 31180159, 30076350)

Ambry Genetics
Classification: Likely benign for Inborn genetic diseases. Last evaluated: 2020-01-14. Review status: criteria provided, single submitter. Criteria: Ambry Variant Classification Scheme 2023. Collection method: clinical testing. Allele origin: germline.

Illumina Laboratory Services, Illumina
Classification: Benign for Autosomal recessive distal spinal muscular atrophy 1. Last evaluated: 2017-04-27. Review status: criteria provided, single submitter. Criteria: ICSL Variant Classification Criteria 13 December 2019. Collection method: clinical testing. Allele origin: germline.
Comment: This variant was observed as part of a predisposition screen in an ostensibly healthy population. A literature search was performed for the gene, cDNA change, and amino acid change (where applicable). Publications were found based on this search. The evidence from the literature, in combination with allele frequency data from public databases where available, was sufficient to rule this variant out of causing disease. Therefore, this variant is classified as benign.

Eurofins Ntd Llc (ga)
Classification: Benign. Last evaluated: 2016-06-23. Review status: criteria provided, single submitter. Criteria: EGL Classification Definitions 2015. Collection method: clinical testing. Allele origin: germline. Observed: 1 variant allele, 1 heterozygote.

Molecular Genetics Laboratory, London Health Sciences Centre
Classification: Likely benign for Charcot-Marie-Tooth disease. Review status: criteria provided, single submitter. Criteria: ACMG Guidelines, 2015. Collection method: clinical testing. Allele origin: germline. Affected: yes.

PreventionGenetics, part of Exact Sciences
Classification: Likely benign for IGHMBP2-related condition. Last evaluated: 2021-03-08. Review status: no assertion criteria provided. Collection method: clinical testing. Allele origin: germline. Not counted in ClinVar's aggregate classification.
Comment: This variant is classified as likely benign based on ACMG/AMP sequence variant interpretation guidelines (Richards et al. 2015 PMID: 25741868, with internal and published modifications).

Literature cited by the submitters: PubMed 31180159 (cited by Women's Health and Genetics/Laboratory Corporation of America, LabCorp); PubMed 28202949 (cited by Women's Health and Genetics/Laboratory Corporation of America, LabCorp); PubMed 40686563 (cited by Women's Health and Genetics/Laboratory Corporation of America, LabCorp); PubMed 26136520 (cited by Illumina Laboratory Services, Illumina).

NM_002180.3(IGHMBP2):c.344C>T (p.Thr115Met)

Gene: IGHMBP2 (immunoglobulin mu DNA binding protein 2; plus strand). Cytogenetic location: 11q13.3.
Variant type: single nucleotide variant.
Coding change: c.344C>T on transcript NM_002180.3 (MANE Select); coding-DNA position 344, C replaced by T.
Protein change: p.Thr115Met; replaces threonine 115 with methionine.
Molecular consequence: missense variant.
Genome position (GRCh38, 1-based): chr11:68,908,232, C>T. VCF-style: chr11-68908232-C-T. GRCh37 (hg19) VCF-style: chr11-68675700-C-T.
Other names: short protein forms T115M.
Identifiers: ClinVar variation 287979 (VCV000287979.26), dbSNP rs181657861, ClinGen allele CA6153266.